The following is an entry in ClinVar:

ClinVar aggregate classification (germline): Uncertain significance (1 of 4 stars; one submission).

Conditions:
Developmental and epileptic encephalopathy, 42 (DEE42A). Also called: Epileptic encephalopathy, early infantile, 42; DEVELOPMENTAL AND EPILEPTIC ENCEPHALOPATHY 42A; EPILEPTIC ENCEPHALOPATHY, EARLY INFANTILE, 42A. Identifiers: MedGen C4310716, MONDO:0014917, OMIM 617106.
Episodic ataxia type 2 (EA2). Also called: ATAXIA, EPISODIC, WITH NYSTAGMUS; ATAXIA, FAMILIAL PAROXYSMAL; CEREBELLAR ATAXIA, PAROXYSMAL, ACETAZOLAMIDE-RESPONSIVE; CEREBELLOPATHY, HEREDITARY PAROXYSMAL; EPISODIC ATAXIA, NYSTAGMUS-ASSOCIATED; ACETAZOLAMIDE-RESPONSIVE HEREDITARY PAROXYSMAL CEREBELLAR ATAXIA. Identifiers: Orphanet 97, MedGen C1720416, MONDO:0007163, OMIM 108500.

Submission:

Labcorp Genetics (formerly Invitae), Labcorp
Classification: Uncertain significance for Developmental and epileptic encephalopathy, 42; Episodic ataxia type 2. Last evaluated: 2021-10-12. Review status: criteria provided, single submitter. Criteria: Invitae Variant Classification Sherloc (09022015). Collection method: clinical testing. Allele origin: germline.
Comment: This sequence change falls in intron 15 of the CACNA1A gene. It does not directly change the encoded amino acid sequence of the CACNA1A protein. It affects a nucleotide within the consensus splice site. This variant is not present in population databases (ExAC no frequency). This variant has not been reported in the literature in individuals affected with CACNA1A-related conditions. Variants that disrupt the consensus splice site are a relatively common cause of aberrant splicing (PMID: 17576681, 9536098). Algorithms developed to predict the effect of sequence changes on RNA splicing suggest that this variant may disrupt the consensus splice site. In summary, the available evidence is currently insufficient to determine the role of this variant in disease. Therefore, it has been classified as a Variant of Uncertain Significance.

Literature cited by the submitters: PubMed 17576681; PubMed 9536098.

NM_001127222.2(CACNA1A):c.1986+6G>A

Gene: CACNA1A (calcium voltage-gated channel subunit alpha1 A; minus strand). Cytogenetic location: 19p13.13.
Variant type: single nucleotide variant.
Coding change: c.1986+6G>A on transcript NM_001127222.2 (MANE Select); 6 bases into the intron after coding-DNA position 1986, G replaced by A.
Molecular consequence: intron variant.
Genome position (GRCh38, 1-based): chr19:13,307,776, C>T on the plus strand (G>A on the coding strand, the complement: CACNA1A is on the minus strand). VCF-style: chr19-13307776-C-T. GRCh37 (hg19) VCF-style: chr19-13418590-C-T.
Other names: c.1989+6G>A (NM_001127221.2, NM_001174080.2, NM_000068.4 and 1 more transcripts).
Identifiers: ClinVar variation 1524751 (VCV001524751.6), dbSNP rs1791823785, ClinGen allele CA2323829827.